The following is an entry in ClinVar:

ClinVar aggregate classification (germline): Uncertain significance. Review status: criteria provided, multiple submitters, no conflicts (2 of 4 stars). 3 submissions from 3 submitters: Uncertain significance (2). 1 of the submissions does not count toward it. Last evaluated 2024-02-17.

Conditions:
Cardiovascular phenotype. Identifiers: MedGen CN230736.
AKAP9-related disorder. Also called: AKAP9-related condition.
Long QT syndrome (LQTS). Identifiers: MedGen C0023976, MeSH D008133, MONDO:0002442. Disease mechanism: loss of function. Inheritance: Various modes of inheritance.

Allele frequency attached by ClinVar (database versions not stated): gnomAD 0.00001; gnomAD exomes 0.00001 and 0.00002; TOPMed 0.00002.
gnomAD v4.1: 28 of 1,611,342 alleles (0.0017%); highest among the groups gnomAD compares: Non-Finnish European, 0.0024%; no homozygotes.

Submissions (3):

Labcorp Genetics (formerly Invitae), Labcorp
Classification: Uncertain significance for Long QT syndrome. Last evaluated: 2024-02-17. Review status: criteria provided, single submitter. Criteria: Invitae Variant Classification Sherloc (09022015). Collection method: clinical testing. Allele origin: germline.
Comment: This sequence change replaces isoleucine, which is neutral and non-polar, with methionine, which is neutral and non-polar, at codon 999 of the AKAP9 protein (p.Ile999Met). This variant is present in population databases (no rsID available, gnomAD 0.002%). This variant has not been reported in the literature in individuals affected with AKAP9-related conditions. ClinVar contains an entry for this variant (Variation ID: 958672). An algorithm developed to predict the effect of missense changes on protein structure and function (PolyPhen-2) suggests that this variant is likely to be disruptive. In summary, the available evidence is currently insufficient to determine the role of this variant in disease. Therefore, it has been classified as a Variant of Uncertain Significance.

Ambry Genetics
Classification: Uncertain significance for Cardiovascular phenotype. Last evaluated: 2021-10-26. Review status: criteria provided, single submitter. Criteria: Ambry Variant Classification Scheme 2023. Collection method: clinical testing. Allele origin: germline.
Comment: The p.I999M variant (also known as c.2997C>G), located in coding exon 8 of the AKAP9 gene, results from a C to G substitution at nucleotide position 2997. The isoleucine at codon 999 is replaced by methionine, an amino acid with highly similar properties. This amino acid position is not well conserved in available vertebrate species. In addition, this alteration is predicted to be tolerated by in silico analysis. Since supporting evidence is limited at this time, the clinical significance of this alteration remains unclear.

PreventionGenetics, part of Exact Sciences
Classification: Uncertain significance for AKAP9-related condition. Last evaluated: 2023-12-20. Review status: no assertion criteria provided. Collection method: clinical testing. Allele origin: germline. Not counted in ClinVar's aggregate classification.
Comment: The AKAP9 c.2997C>G variant is predicted to result in the amino acid substitution p.Ile999Met. To our knowledge, this variant has not been reported in the literature. This variant is reported in 0.0018% of alleles in individuals of European (Non-Finnish) descent in gnomAD. At this time, the clinical significance of this variant is uncertain due to the absence of conclusive functional and genetic evidence.

NM_005751.5(AKAP9):c.2997C>G (p.Ile999Met)

Gene: AKAP9 (A-kinase anchoring protein 9; plus strand). Cytogenetic location: 7q21.2.
Variant type: single nucleotide variant.
Coding change: c.2997C>G on transcript NM_005751.5 (MANE Select); coding-DNA position 2997, C replaced by G.
Protein change: p.Ile999Met; replaces isoleucine 999 with methionine.
Molecular consequence: missense variant.
Genome position (GRCh38, 1-based): chr7:92,002,914, C>G. VCF-style: chr7-92002914-C-G. GRCh37 (hg19) VCF-style: chr7-91632228-C-G.
Other names: c.2997C>G, p.Ile999Met (NM_147185.3); short protein forms I999M.
Identifiers: ClinVar variation 958672 (VCV000958672.13), dbSNP rs1425297084, ClinGen allele CA368125404.